The following is an entry in ClinVar:

ClinVar aggregate classification (germline): Pathogenic. Review status: criteria provided, single submitter (1 of 4 stars). 2 submissions from 1 submitter: Pathogenic (1). 1 of the submissions does not count toward it. Last evaluated 2024-03-25.

Conditions:
Griscelli syndrome type 3 (GS3). Identifiers: Orphanet 381, Orphanet 79478, MedGen C1836573, MONDO:0012220, OMIM 609227.

Submissions (2):

Genomic Medicine Center of Excellence, King Faisal Specialist Hospital and Research Centre
Classification: Pathogenic for Griscelli syndrome type 3. Last evaluated: 2024-03-25. Review status: criteria provided, single submitter. Criteria: ACMG Guidelines, 2015. Collection method: clinical testing. Allele origin: germline.

Genomic Medicine Center of Excellence, King Faisal Specialist Hospital and Research Centre
Classification: Likely pathogenic. Review status: flagged submission. Criteria: ACMG Guidelines, 2015. Collection method: research. Allele origin: germline. Affected: yes. Not counted in ClinVar's aggregate classification.
ClinVar note: Reason: This record appears to be redundant with a more recent record from the same submitter.
ClinVar note: Notes: SCV000221706 appears to be redundant with SCV004806457.

NM_024101.7(MLPH):c.987del (p.Lys330fs)

Gene: MLPH (melanophilin; plus strand). Cytogenetic location: 2q37.3.
Variant type: Deletion.
Coding change: c.987del on transcript NM_024101.7 (MANE Select); coding-DNA position 987, one base deleted (C; older notation c.987delC).
Protein change: p.Lys330fs; shifts the reading frame from lysine 330.
Molecular consequence: frameshift variant. On other transcripts: non-coding transcript variant (1), intron variant (1).
Genome position (GRCh38, 1-based): chr2:237,527,483, C deleted; the last of 2 consecutive C bases (chr2:237,527,482-237,527,483); deleting either gives the same sequence. VCF-style (leftmost placement, unchanged base first): chr2-237527481-TC-T. GRCh37 (hg19) VCF-style: chr2-238436124-TC-T.
Other names: c.987del, p.Lys330fs (NM_001042467.3); c.867del, p.Lys290fs (NM_001281473.2); c.675+7454del (NM_001281474.2); short protein forms K290fs, K330fs.
Identifiers: ClinVar variation 191315 (VCV000191315.2), dbSNP rs786205641, ClinGen allele CA236428.
Genomic context (GRCh38, chr2:237,527,481, plus strand): 5'-GCCGATGTGGACACCTCTGATGAGGAAAGCATCCGGGCTCACGTGATGGCCTCCCACCAT[TC>T]CAAGCGGAGAGGCCGGGCGTCTTCTGAGAGTCAGGTAACGGTGGCTGGAAAGACTTCTGT-3'